The following is an entry in ClinVar:

NM_000322.5(PRPH2):c.708C>A (p.Tyr236Ter)

Gene: PRPH2 (peripherin 2; minus strand). Cytogenetic location: 6p21.1.
Variant type: single nucleotide variant.
Coding change: c.708C>A on transcript NM_000322.5 (MANE Select); coding-DNA position 708, C replaced by A.
Protein change: p.Tyr236Ter; replaces tyrosine 236 with a stop codon.
Molecular consequence: nonsense.
Genome position (GRCh38, 1-based): chr6:42,704,485, G>T on the plus strand (C>A on the coding strand, the complement: PRPH2 is on the minus strand). VCF-style: chr6-42704485-G-T. GRCh37 (hg19) VCF-style: chr6-42672223-G-T.
Other names: short protein forms Y236*.
Identifiers: ClinVar variation 2859596 (VCV002859596.4), dbSNP rs61755813, ClinGen allele CA364135200.

ClinVar aggregate classification (germline): Pathogenic. Review status: criteria provided, multiple submitters, no conflicts (2 of 4 stars). 2 submissions from 2 submitters: Pathogenic (2). Last evaluated 2024-06-17.

Conditions:
PRPH2-related disorder. Also called: PRPH2-related disorders; PRPH2-related condition. Identifiers: MedGen CN239395.

Submissions (2):

Blueprint Genetics
Classification: Pathogenic for PRPH2-related disorders. Last evaluated: 2024-06-17. Review status: criteria provided, single submitter. Criteria: ACMG Guidelines, 2015. Collection method: clinical testing. Allele origin: germline. Affected: yes. Observed: 1 variant allele.

Labcorp Genetics (formerly Invitae), Labcorp
Classification: Pathogenic for PRPH2-related disorder. Last evaluated: 2023-04-26. Review status: criteria provided, single submitter. Criteria: Invitae Variant Classification Sherloc (09022015). Collection method: clinical testing. Allele origin: germline.
Comment: For these reasons, this variant has been classified as Pathogenic. This premature translational stop signal has been observed in individual(s) with macular and/or pattern dystrophy (PMID: 22863181, 25082885). This variant is not present in population databases (gnomAD no frequency). This sequence change creates a premature translational stop signal (p.Tyr236*) in the PRPH2 gene. It is expected to result in an absent or disrupted protein product. Loss-of-function variants in PRPH2 are known to be pathogenic (PMID: 8111389, 8485575, 8485576, 8675410, 16916875, 17504850, 22863181, 25675413, 26061163, 27365499, 29555955, 33546218).

Literature cited by the submitters: PubMed 22863181 (cited by Labcorp Genetics (formerly Invitae), Labcorp); PubMed 25082885 (cited by Labcorp Genetics (formerly Invitae), Labcorp); PubMed 8111389 (cited by Labcorp Genetics (formerly Invitae), Labcorp); PubMed 8485575 (cited by Labcorp Genetics (formerly Invitae), Labcorp); PubMed 8485576 (cited by Labcorp Genetics (formerly Invitae), Labcorp); PubMed 8675410 (cited by Labcorp Genetics (formerly Invitae), Labcorp); PubMed 16916875 (cited by Labcorp Genetics (formerly Invitae), Labcorp); PubMed 17504850 (cited by Labcorp Genetics (formerly Invitae), Labcorp); PubMed 25675413 (cited by Labcorp Genetics (formerly Invitae), Labcorp); PubMed 26061163 (cited by Labcorp Genetics (formerly Invitae), Labcorp); PubMed 27365499 (cited by Labcorp Genetics (formerly Invitae), Labcorp); PubMed 29555955 (cited by Labcorp Genetics (formerly Invitae), Labcorp); PubMed 33546218 (cited by Labcorp Genetics (formerly Invitae), Labcorp).